The following is an entry in ClinVar:

ClinVar aggregate classification (germline): Uncertain significance (1 of 4 stars; one submission).

Allele frequency attached by ClinVar (database versions not stated): TOPMed 0.00001.

Submission:

Labcorp Genetics (formerly Invitae), Labcorp
Classification: Uncertain significance. Last evaluated: 2022-07-11. Review status: criteria provided, single submitter. Criteria: Invitae Variant Classification Sherloc (09022015). Collection method: clinical testing. Allele origin: germline.
Comment: This variant is not present in population databases (gnomAD no frequency). This sequence change replaces alanine, which is neutral and non-polar, with proline, which is neutral and non-polar, at codon 463 of the ZNF408 protein (p.Ala463Pro). This variant has not been reported in the literature in individuals affected with ZNF408-related conditions. ClinVar contains an entry for this variant (Variation ID: 1043982). Algorithms developed to predict the effect of missense changes on protein structure and function output the following: SIFT: "Tolerated"; PolyPhen-2: "Benign"; Align-GVGD: "Class C0". The proline amino acid residue is found in multiple mammalian species, which suggests that this missense change does not adversely affect protein function. In summary, the available evidence is currently insufficient to determine the role of this variant in disease. Therefore, it has been classified as a Variant of Uncertain Significance.

NM_024741.3(ZNF408):c.1387G>C (p.Ala463Pro)

Gene: ZNF408 (zinc finger protein 408; plus strand). Cytogenetic location: 11p11.2.
Variant type: single nucleotide variant.
Coding change: c.1387G>C on transcript NM_024741.3 (MANE Select); coding-DNA position 1387, G replaced by C.
Protein change: p.Ala463Pro; replaces alanine 463 with proline.
Molecular consequence: missense variant.
Genome position (GRCh38, 1-based): chr11:46,705,087, G>C. VCF-style: chr11-46705087-G-C. GRCh37 (hg19) VCF-style: chr11-46726637-G-C.
Other names: c.1363G>C, p.Ala455Pro (NM_001184751.2); short protein forms A455P, A463P.
Identifiers: ClinVar variation 1043982 (VCV001043982.8), dbSNP rs2064741226, ClinGen allele CA380255902.
Genomic context (GRCh38, chr11:46,705,087, plus strand): 5'-GGCAAGGCCTTTGCCCGCCGGCCCTCCCTGCGGCTGCATCGCAAGACCCACCAGGTGCCA[G>C]CTGCCCCTGCCCCTTGCCCATGCCCTGTGTGTGGGCGGCCCCTGGCCAACCAGGGCTCCC-3'
Protein context (NP_079017.1, residues 453-473): RLHRKTHQVP[Ala463Pro]APAPCPCPVC